The following is an entry in ClinVar:

NM_000152.5(GAA):c.2203T>A (p.Ser735Thr)

Gene: GAA (alpha glucosidase; plus strand). Cytogenetic location: 17q25.3.
Variant type: single nucleotide variant.
Coding change: c.2203T>A on transcript NM_000152.5 (MANE Select); coding-DNA position 2203, T replaced by A.
Protein change: p.Ser735Thr; replaces serine 735 with threonine.
Molecular consequence: missense variant.
Genome position (GRCh38, 1-based): chr17:80,116,981, T>A. VCF-style: chr17-80116981-T-A. GRCh37 (hg19) VCF-style: chr17-78090780-T-A.
Other names: c.2203T>A, p.Ser735Thr (NM_001079803.3, NM_001079804.3); short protein forms S735T.
Identifiers: ClinVar variation 1445138 (VCV001445138.4), dbSNP rs1377188867, ClinGen allele CA401324703.

ClinVar aggregate classification (germline): Uncertain significance (1 of 4 stars; one submission).

Conditions:
Glycogen storage disease, type II (IOPD). Also called: Glucosidase acid-1,4-alpha deficiency; Pompe Disease; GLYCOGENOSIS, GENERALIZED, CARDIAC FORM; GSD II; POMPE DISEASE, INFANTILE-ONSET; GLYCOGEN STORAGE DISEASE II, INFANTILE-ONSET. Identifiers: Orphanet 365, MedGen C0017921, MONDO:0009290, OMIM 232300.

Submission:

Labcorp Genetics (formerly Invitae), Labcorp
Classification: Uncertain significance for Glycogen storage disease, type II. Last evaluated: 2025-08-18. Review status: criteria provided, single submitter. Criteria: Invitae Variant Classification Sherloc (09022015). Collection method: clinical testing. Allele origin: germline.
Comment: This sequence change replaces serine, which is neutral and polar, with threonine, which is neutral and polar, at codon 735 of the GAA protein (p.Ser735Thr). This variant is not present in population databases (gnomAD no frequency). This variant has not been reported in the literature in individuals affected with GAA-related conditions. ClinVar contains an entry for this variant (Variation ID: 1445138). Invitae Evidence Modeling of protein sequence and biophysical properties (such as structural, functional, and spatial information, amino acid conservation, physicochemical variation, residue mobility, and thermodynamic stability) indicates that this missense variant is not expected to disrupt GAA protein function with a negative predictive value of 95%. In summary, the available evidence is currently insufficient to determine the role of this variant in disease. Therefore, it has been classified as a Variant of Uncertain Significance.